The following is an entry in ClinVar:

NM_006662.3(SRCAP):c.5704G>A (p.Glu1902Lys)

Gene: SRCAP (Snf2 related CREBBP activator protein; plus strand). Cytogenetic location: 16p11.2.
Variant type: single nucleotide variant.
Coding change: c.5704G>A on transcript NM_006662.3 (MANE Select); coding-DNA position 5704, G replaced by A.
Protein change: p.Glu1902Lys; replaces glutamic acid 1902 with lysine.
Molecular consequence: missense variant.
Genome position (GRCh38, 1-based): chr16:30,729,011, G>A. VCF-style: chr16-30729011-G-A. GRCh37 (hg19) VCF-style: chr16-30740332-G-A.
Other names: short protein forms E1902K.
Identifiers: ClinVar variation 930450 (VCV000930450.3), dbSNP rs1019525148, ClinGen allele CA395621155.

ClinVar aggregate classification (germline): Uncertain significance (1 of 4 stars; one submission).

Conditions:
Floating-Harbor syndrome (FLHS). Also called: SRCAP-Related Floating-Harbor Syndrome; Short stature with delayed bone age, expressive language delay, a triangular face with a prominent nose and deep-set eyes; Pelletier-Leisti syndrome. Identifiers: Orphanet 2044, MedGen C0729582, MONDO:0007621, OMIM 136140.

Submission:

Centre for Mendelian Genomics, University Medical Centre Ljubljana
Classification: Uncertain significance for Floating-Harbor syndrome. Last evaluated: 2019-04-23. Review status: criteria provided, single submitter. Criteria: ACMG Guidelines, 2015. Collection method: clinical testing. Allele origin: unknown. Affected: yes.
Comment: This variant was classified as: Uncertain significance. The available evidence on this variant's pathogenicity is insufficient or conflicting. The following ACMG criteria were applied in classifying this variant: PM2,BP1.